The following is an entry in ClinVar:

NM_017514.5(PLXNA3):c.3163C>T (p.Arg1055Trp)

Gene: PLXNA3 (plexin A3; plus strand). Cytogenetic location: Xq28.
Variant type: single nucleotide variant.
Coding change: c.3163C>T on transcript NM_017514.5 (MANE Select); coding-DNA position 3163, C replaced by T.
Protein change: p.Arg1055Trp; replaces arginine 1055 with tryptophan.
Molecular consequence: missense variant.
Genome position (GRCh38, 1-based): chrX:154,467,112, C>T. VCF-style: chrX-154467112-C-T. GRCh37 (hg19) VCF-style: chrX-153695455-C-T.
Other names: short protein forms R1055W.
Identifiers: ClinVar variation 3347135 (VCV003347135.1).
Genomic context (GRCh38, chrX:154,467,112, plus strand): 5'-CCTAGTGGAAGCACTGCCATCACTGTGAGTGGGACCCACCTGCTGACGGTCCAGGAGCCC[C>T]GGGTCCGTGCCAAGTACCGCGGCATTGAGACCACCAATGTGAGTACCAGCTGCCCCGCCC-3'
Protein context (NP_059984.3, residues 1045-1065): GTHLLTVQEP[Arg1055Trp]VRAKYRGIET

ClinVar aggregate classification (germline): Uncertain significance (0 of 4 stars; one submission).

Conditions:
PLXNA3-related disorder. Also called: PLXNA3-related condition.

Submission:

PreventionGenetics, part of Exact Sciences
Classification: Uncertain significance for PLXNA3-related condition. Last evaluated: 2024-07-17. Review status: no assertion criteria provided. Collection method: clinical testing. Allele origin: germline.
Comment: The PLXNA3 c.3163C>T variant is predicted to result in the amino acid substitution p.Arg1055Trp. To our knowledge, this variant has not been reported in the literature or in a large population database, indicating this variant is rare. At this time, the clinical significance of this variant is uncertain due to the absence of conclusive functional and genetic evidence.